The following is an entry in ClinVar:

NM_005876.5(SPEG):c.4147G>A (p.Gly1383Ser)

Gene: SPEG (striated muscle enriched protein kinase; plus strand). Cytogenetic location: 2q35.
Variant type: single nucleotide variant.
Coding change: c.4147G>A on transcript NM_005876.5 (MANE Select); coding-DNA position 4147, G replaced by A.
Protein change: p.Gly1383Ser; replaces glycine 1383 with serine.
Molecular consequence: missense variant.
Genome position (GRCh38, 1-based): chr2:219,473,096, G>A. VCF-style: chr2-219473096-G-A. GRCh37 (hg19) VCF-style: chr2-220337818-G-A.
Other names: short protein forms G1383S.
Identifiers: ClinVar variation 1908922 (VCV001908922.5), dbSNP rs777992216, ClinGen allele CA2126397.

ClinVar aggregate classification (germline): Uncertain significance (1 of 4 stars; one submission).

Allele frequency attached by ClinVar (database versions not stated): gnomAD exomes below 0.00001; TOPMed below 0.00001; ExAC 0.00001.
gnomAD v4.1: 5 of 1,612,964 alleles (0.00031%); highest among the groups gnomAD compares: Non-Finnish European, 0.00042%; no homozygotes.

Submission:

Labcorp Genetics (formerly Invitae), Labcorp
Classification: Uncertain significance. Last evaluated: 2022-08-11. Review status: criteria provided, single submitter. Criteria: Invitae Variant Classification Sherloc (09022015). Collection method: clinical testing. Allele origin: germline.
Comment: This variant has not been reported in the literature in individuals affected with SPEG-related conditions. In summary, the available evidence is currently insufficient to determine the role of this variant in disease. Therefore, it has been classified as a Variant of Uncertain Significance. Variants that disrupt the consensus splice site are a relatively common cause of aberrant splicing (PMID: 17576681, 9536098). Algorithms developed to predict the effect of missense changes on protein structure and function are either unavailable or do not agree on the potential impact of this missense change (SIFT: "Deleterious"; PolyPhen-2: "Probably Damaging"; Align-GVGD: "Class C0"). The frequency data for this variant in the population databases is considered unreliable, as metrics indicate poor data quality at this position in the gnomAD database. This sequence change replaces glycine, which is neutral and non-polar, with serine, which is neutral and polar, at codon 1383 of the SPEG protein (p.Gly1383Ser). This variant also falls at the last nucleotide of exon 16, which is part of the consensus splice site for this exon.

Literature cited by the submitters: PubMed 17576681; PubMed 9536098.